The following is an entry in ClinVar:

NM_152383.5(DIS3L2):c.720G>T (p.Glu240Asp)

Gene: DIS3L2 (DIS3 like 3'-5' exoribonuclease 2; plus strand). Cytogenetic location: 2q37.1.
Variant type: single nucleotide variant.
Coding change: c.720G>T on transcript NM_152383.5 (MANE Select); coding-DNA position 720, G replaced by T.
Protein change: p.Glu240Asp; replaces glutamic acid 240 with aspartic acid.
Molecular consequence: missense variant. On other transcripts: non-coding transcript variant (1).
Genome position (GRCh38, 1-based): chr2:232,136,489, G>T. VCF-style: chr2-232136489-G-T. GRCh37 (hg19) VCF-style: chr2-233001199-G-T.
Other names: c.720G>T, p.Glu240Asp (NM_001257281.2); short protein forms E240D.
Identifiers: ClinVar variation 2107876 (VCV002107876.4), dbSNP rs2469848183, ClinGen allele CA351153445.

ClinVar aggregate classification (germline): Uncertain significance (1 of 4 stars; one submission).

Conditions:
Perlman syndrome (PRLMNS). Identifiers: Orphanet 2849, MedGen C0796113, MONDO:0009965, OMIM 267000.

Submission:

Labcorp Genetics (formerly Invitae), Labcorp
Classification: Uncertain significance for Perlman syndrome. Last evaluated: 2023-06-27. Review status: criteria provided, single submitter. Criteria: Invitae Variant Classification Sherloc (09022015). Collection method: clinical testing. Allele origin: germline.
Comment: This sequence change replaces glutamic acid, which is acidic and polar, with aspartic acid, which is acidic and polar, at codon 240 of the DIS3L2 protein (p.Glu240Asp). In summary, the available evidence is currently insufficient to determine the role of this variant in disease. Therefore, it has been classified as a Variant of Uncertain Significance. Advanced modeling of protein sequence and biophysical properties (such as structural, functional, and spatial information, amino acid conservation, physicochemical variation, residue mobility, and thermodynamic stability) performed at Invitae indicates that this missense variant is not expected to disrupt DIS3L2 protein function. ClinVar contains an entry for this variant (Variation ID: 2107876). This variant has not been reported in the literature in individuals affected with DIS3L2-related conditions. This variant is not present in population databases (gnomAD no frequency).